The following is an entry in ClinVar:

ClinVar aggregate classification (germline): Benign/Likely benign. Review status: criteria provided, multiple submitters, no conflicts (2 of 4 stars). 5 submissions from 5 submitters: Benign (1); Likely benign (4). Last evaluated 2025-09-30.

Conditions:
Familial cancer of breast. Also called: BREAST CANCER, FAMILIAL; Hereditary breast cancer; hereditary breast carcinoma. Identifiers: Orphanet 227535, MedGen C0346153, MONDO:0016419, OMIM 114480. Disease mechanism: loss of function.
Hereditary cancer-predisposing syndrome. Also called: Neoplastic Syndromes, Hereditary; Tumor predisposition; Hereditary Cancer Syndrome; Hereditary neoplastic syndrome. Identifiers: Orphanet 140162, MedGen C0027672, MeSH D009386, MONDO:0015356.

Allele frequency attached by ClinVar (database versions not stated): gnomAD exomes 0.00001.
gnomAD v4.1: 7 of 1,614,018 alleles (0.00043%); highest among the groups gnomAD compares: Non-Finnish European, 0.00059%; no homozygotes.

Submissions (5):

Labcorp Genetics (formerly Invitae), Labcorp
Classification: Likely benign for Familial cancer of breast. Last evaluated: 2025-09-30. Review status: criteria provided, single submitter. Criteria: Invitae Variant Classification Sherloc (09022015). Collection method: clinical testing. Allele origin: germline.

Myriad Genetics, Inc.
Classification: Benign for Familial cancer of breast. Last evaluated: 2025-01-13. Review status: criteria provided, single submitter. Criteria: Myriad Autosomal Dominant, Autosomal Recessive and X-Linked Classification Criteria (2023). Collection method: clinical testing. Allele origin: unknown.
Comment: This variant is considered benign. This variant is a silent/synonymous amino acid change and it is not expected to impact splicing.

Women's Health and Genetics/Laboratory Corporation of America, LabCorp
Classification: Likely benign. Last evaluated: 2021-12-18. Review status: criteria provided, single submitter. Criteria: LabCorp Variant Classification Summary - May 2015. Collection method: clinical testing. Allele origin: germline.

Ambry Genetics
Classification: Likely benign for Hereditary cancer-predisposing syndrome. Last evaluated: 2016-11-15. Review status: criteria provided, single submitter. Criteria: Ambry Variant Classification Scheme 2023. Collection method: clinical testing. Allele origin: germline.

Color Diagnostics, LLC DBA Color Health
Classification: Likely benign for Hereditary cancer-predisposing syndrome. Last evaluated: 2016-04-25. Review status: criteria provided, single submitter. Criteria: ACMG Guidelines, 2015. Collection method: clinical testing. Allele origin: germline.

NM_024675.4(PALB2):c.1119G>A (p.Glu373=)

Gene: PALB2 (partner and localizer of BRCA2; minus strand). Cytogenetic location: 16p12.2.
Variant type: single nucleotide variant.
Coding change: c.1119G>A on transcript NM_024675.4 (MANE Select); coding-DNA position 1119, G replaced by A.
Protein change: p.Glu373=; no amino-acid change (glutamic acid 373 retained).
Molecular consequence: synonymous variant.
Genome position (GRCh38, 1-based): chr16:23,635,427, C>T on the plus strand (G>A on the coding strand, the complement: PALB2 is on the minus strand). VCF-style: chr16-23635427-C-T. GRCh37 (hg19) VCF-style: chr16-23646748-C-T.
Identifiers: ClinVar variation 484203 (VCV000484203.21), dbSNP rs45623436, ClinGen allele CA279498809.